The following is an entry in ClinVar:

ClinVar aggregate classification (germline): Uncertain significance (1 of 4 stars; one submission).

Submission:

GeneDx
Classification: Uncertain significance. Last evaluated: 2019-03-22. Review status: criteria provided, single submitter. Criteria: GeneDx Variant Classification Process June 2021. Collection method: clinical testing. Allele origin: germline. Affected: yes.
Comment: Not observed in large population cohorts (Lek et al., 2016); In silico analysis, which includes protein predictors and evolutionary conservation, supports a deleterious effect; Has not been previously published as pathogenic or benign to our knowledge

NM_206933.4(USH2A):c.8053G>A (p.Asp2685Asn)

Gene: USH2A (usherin; minus strand). Cytogenetic location: 1q41.
Variant type: single nucleotide variant.
Coding change: c.8053G>A on transcript NM_206933.4 (MANE Select); coding-DNA position 8053, G replaced by A.
Protein change: p.Asp2685Asn; replaces aspartic acid 2685 with asparagine.
Molecular consequence: missense variant.
Genome position (GRCh38, 1-based): chr1:215,888,596, C>T on the plus strand (G>A on the coding strand, the complement: USH2A is on the minus strand). VCF-style: chr1-215888596-C-T. GRCh37 (hg19) VCF-style: chr1-216061938-C-T.
Other names: short protein forms D2685N.
Identifiers: ClinVar variation 1302600 (VCV001302600.2), dbSNP rs2102460134, ClinGen allele CA344839066.